The following is an entry in ClinVar:

NM_001876.4(CPT1A):c.1184G>C (p.Arg395Pro)

Genes: CPT1A (carnitine palmitoyltransferase 1A; minus strand), LOC126861244 (BRD4-independent group 4 enhancer GRCh37_chr11:68549035-68550234; plus strand). Cytogenetic location: 11q13.3.
Variant type: single nucleotide variant.
Coding change: c.1184G>C on transcript NM_001876.4 (MANE Select); coding-DNA position 1184, G replaced by C.
Protein change: p.Arg395Pro; replaces arginine 395 with proline.
Molecular consequence: missense variant.
Genome position (GRCh38, 1-based): chr11:68,781,939, C>G on the plus strand (G>C on the coding strand, the complement: CPT1A is on the minus strand). VCF-style: chr11-68781939-C-G. GRCh37 (hg19) VCF-style: chr11-68549407-C-G.
Other names: c.1184G>C, p.Arg395Pro (NM_001031847.3); short protein forms R395P.
Identifiers: ClinVar variation 985485 (VCV000985485.5), dbSNP rs768667071, ClinGen allele CA381631932.
Genomic context (GRCh38, chr11:68,781,939, plus strand): 5'-GCTGCTTTCTCCACAGCATCAAGAGACTGCTTATTTTTCCCACGTCCAAAATAGGCCTGA[C>G]GACACCTGGCCCAGGGAACTCTGCAGTGAAGATGAAATACGATTAAAGGCAGCCCGACCT-3'
Protein context (NP_001867.2, residues 385-405): AGDRVPWARC[Arg395Pro]QAYFGRGKNK

ClinVar aggregate classification (germline): Likely pathogenic. Review status: criteria provided, multiple submitters, no conflicts (2 of 4 stars). 2 submissions from 2 submitters: Likely pathogenic (2). Last evaluated 2022-05-27.

Conditions:
Inborn genetic diseases. Identifiers: MedGen C0950123, MeSH D030342.

Submissions (2):

GeneDx
Classification: Likely pathogenic. Last evaluated: 2022-05-27. Review status: criteria provided, single submitter. Criteria: GeneDx Variant Classification Process June 2021. Collection method: clinical testing. Allele origin: germline. Affected: yes.
Comment: Not observed at significant frequency in large population cohorts (gnomAD); In silico analysis supports that this missense variant has a deleterious effect on protein structure/function; Has not been previously published as pathogenic or benign to our knowledge

Ambry Genetics
Classification: Likely pathogenic for Inborn genetic diseases. Last evaluated: 2018-08-10. Review status: criteria provided, single submitter. Criteria: Ambry exome assertion method (8-5-2015). Collection method: clinical testing. Allele origin: germline. Affected: yes. Observed: 2 variant alleles.